The following is an entry in ClinVar:

ClinVar aggregate classification (germline): Benign/Likely benign. Review status: criteria provided, multiple submitters, no conflicts (2 of 4 stars). 5 submissions from 5 submitters: Benign (1); Likely benign (4). Last evaluated 2025-02-27.

Conditions:
Multiple endocrine neoplasia type 2A. Also called: MULTIPLE ENDOCRINE NEOPLASIA, TYPE IIA; PTC SYNDROME; SIPPLE SYNDROME; MEN 2A; MEN-2A syndrome; Pheochromocytoma and amyloid producing medullary thyroid carcinoma. Identifiers: Orphanet 247698, Orphanet 653, MedGen C0025268, MeSH D018813, MONDO:0008234, OMIM 171400.
Hereditary cancer-predisposing syndrome. Also called: Neoplastic Syndromes, Hereditary; Hereditary Cancer Syndrome; Tumor predisposition; Hereditary neoplastic syndrome. Identifiers: Orphanet 140162, MedGen C0027672, MeSH D009386, MONDO:0015356.
Multiple endocrine neoplasia, type 2 (MEN2). Identifiers: Orphanet 653, MedGen C4048306, MONDO:0019003. Disease mechanism: gain of function.

Allele frequency attached by ClinVar (database versions not stated): gnomAD exomes below 0.00001 and 0.00001; ExAC 0.00002.
gnomAD v4.1: 6 of 1,613,572 alleles (0.00037%); highest among the groups gnomAD compares: Non-Finnish European, 0.00034%; no homozygotes.

Submissions (5):

Myriad Genetics, Inc.
Classification: Benign for Multiple endocrine neoplasia type 2A. Last evaluated: 2025-02-27. Review status: criteria provided, single submitter. Criteria: Myriad Autosomal Dominant, Autosomal Recessive and X-Linked Classification Criteria (2023). Collection method: clinical testing. Allele origin: unknown.
Comment: This variant is considered benign. This variant is a silent/synonymous amino acid change and it is not expected to impact splicing.

Labcorp Genetics (formerly Invitae), Labcorp
Classification: Likely benign for Multiple endocrine neoplasia, type 2. Last evaluated: 2024-08-31. Review status: criteria provided, single submitter. Criteria: Invitae Variant Classification Sherloc (09022015). Collection method: clinical testing. Allele origin: germline.

All of Us Research Program, National Institutes of Health
Classification: Likely benign for Multiple endocrine neoplasia, type 2. Last evaluated: 2023-06-08. Review status: criteria provided, single submitter. Criteria: ACMG Guidelines, 2015. Collection method: clinical testing. Allele origin: germline. Inheritance: Autosomal dominant inheritance. Observed: 1 variant allele, 1 heterozygote.
Comment: This study involves interpretation of variants in research participants for the purpose of population health screening. Participant phenotype was not available at the time of variant classification. Additional details can be found in publication PMID: 35346344, PMCID: PMC8962531

Color Diagnostics, LLC DBA Color Health
Classification: Likely benign for Multiple endocrine neoplasia, type 2. Last evaluated: 2022-09-29. Review status: criteria provided, single submitter. Criteria: ACMG Guidelines, 2015. Collection method: clinical testing. Allele origin: germline.

Ambry Genetics
Classification: Likely benign for Hereditary cancer-predisposing syndrome. Last evaluated: 2017-12-13. Review status: criteria provided, single submitter. Criteria: Ambry Variant Classification Scheme 2023. Collection method: clinical testing. Allele origin: germline.

NM_020975.6(RET):c.2784C>T (p.Tyr928=)

Gene: RET (ret proto-oncogene; plus strand). Cytogenetic location: 10q11.21.
Variant type: single nucleotide variant.
Coding change: c.2784C>T on transcript NM_020975.6 (MANE Select); coding-DNA position 2784, C replaced by T.
Protein change: p.Tyr928=; no amino-acid change (tyrosine 928 retained).
Molecular consequence: synonymous variant.
Genome position (GRCh38, 1-based): chr10:43,121,999, C>T. VCF-style: chr10-43121999-C-T. GRCh37 (hg19) VCF-style: chr10-43617447-C-T.
Other names: c.2784C>T, p.Tyr928= (NM_000323.2, NM_001406743.1, NM_001406744.1 and 4 more transcripts); c.2022C>T, p.Tyr674= (NM_001355216.2); c.2655C>T, p.Tyr885= (NM_001406761.1, NM_001406762.1, NM_001406764.1); c.2649C>T, p.Tyr883= (NM_001406763.1, NM_001406765.1); c.2496C>T, p.Tyr832= (NM_001406766.1, NM_001406767.1, NM_001406770.1); c.2520C>T, p.Tyr840= (NM_001406768.1); c.2388C>T, p.Tyr796= (NM_001406769.1, NM_001406772.1); c.2346C>T, p.Tyr782= (NM_001406771.1, NM_001406773.1); and 10 more.
Identifiers: ClinVar variation 705326 (VCV000705326.16), dbSNP rs779594537, ClinGen allele CA040908.